The following is an entry in ClinVar:

NM_006206.6(PDGFRA):c.286G>T (p.Gly96Trp)

Gene: PDGFRA (platelet derived growth factor receptor alpha; plus strand). Cytogenetic location: 4q12.
Variant type: single nucleotide variant.
Coding change: c.286G>T on transcript NM_006206.6 (MANE Select); coding-DNA position 286, G replaced by T.
Protein change: p.Gly96Trp; replaces glycine 96 with tryptophan.
Molecular consequence: missense variant.
Genome position (GRCh38, 1-based): chr4:54,261,331, G>T. VCF-style: chr4-54261331-G-T. GRCh37 (hg19) VCF-style: chr4-55127498-G-T.
Other names: c.286G>T, p.Gly96Trp (NM_001347827.2, NM_001347829.2); c.361G>T, p.Gly121Trp (NM_001347828.2); c.325G>T, p.Gly109Trp (NM_001347830.2); short protein forms G109W, G121W, G96W.
Identifiers: ClinVar variation 4133988 (VCV004133988.1).

ClinVar aggregate classification (germline): Uncertain significance (1 of 4 stars; one submission).

Conditions:
Hereditary cancer-predisposing syndrome. Also called: Hereditary neoplastic syndrome; Neoplastic Syndromes, Hereditary; Tumor predisposition; Hereditary Cancer Syndrome. Identifiers: Orphanet 140162, MedGen C0027672, MeSH D009386, MONDO:0015356.

Submission:

Ambry Genetics
Classification: Uncertain significance for Hereditary cancer-predisposing syndrome. Last evaluated: 2025-06-27. Review status: criteria provided, single submitter. Criteria: Ambry Variant Classification Scheme 2023. Collection method: clinical testing. Allele origin: germline.
Comment: The p.G96W variant (also known as c.286G>T), located in coding exon 2 of the PDGFRA gene, results from a G to T substitution at nucleotide position 286. The glycine at codon 96 is replaced by tryptophan, an amino acid with highly dissimilar properties. This amino acid position is conserved. In addition, the in silico prediction for this alteration is inconclusive. Based on the available evidence, the clinical significance of this variant remains unclear.